The following is an entry in ClinVar:

NM_000639.3(FASLG):c.323A>G (p.Gln108Arg)

Gene: FASLG (Fas ligand; plus strand). Cytogenetic location: 1q24.3.
Variant type: single nucleotide variant.
Coding change: c.323A>G on transcript NM_000639.3 (MANE Select); coding-DNA position 323, A replaced by G.
Protein change: p.Gln108Arg; replaces glutamine 108 with arginine.
Molecular consequence: missense variant.
Genome position (GRCh38, 1-based): chr1:172,659,524, A>G. VCF-style: chr1-172659524-A-G. GRCh37 (hg19) VCF-style: chr1-172628664-A-G.
Other names: c.323A>G, p.Gln108Arg (NM_001302746.2); short protein forms Q108R.
Identifiers: ClinVar variation 1036420 (VCV001036420.2), dbSNP rs369342226, ClinGen allele CA1247501.

ClinVar aggregate classification (germline): Uncertain significance (1 of 4 stars; one submission).

Conditions:
Autoimmune lymphoproliferative syndrome type 1. Also called: AUTOIMMUNE LYMPHOPROLIFERATIVE SYNDROME, TYPE I, AUTOSOMAL DOMINANT. Identifiers: Orphanet 3261, MedGen C2717884, MONDO:0011158, OMIM 601859.

Allele frequency attached by ClinVar (database versions not stated): gnomAD exomes 0.00003 and 0.00001; ESP Exome Variant Server 0.00008; ExAC 0.00002; gnomAD 0.00003; TOPMed 0.00003.

Submission:

Labcorp Genetics (formerly Invitae), Labcorp
Classification: Uncertain significance for Autoimmune lymphoproliferative syndrome. Last evaluated: 2021-08-27. Review status: criteria provided, single submitter. Criteria: Invitae Variant Classification Sherloc (09022015). Collection method: clinical testing. Allele origin: germline.
Comment: This sequence change replaces glutamine with arginine at codon 108 of the FASLG protein (p.Gln108Arg). The glutamine residue is highly conserved and there is a small physicochemical difference between glutamine and arginine. This variant is present in population databases (rs369342226, ExAC 0.01%). This variant has not been reported in the literature in individuals affected with FASLG-related conditions. Algorithms developed to predict the effect of missense changes on protein structure and function are either unavailable or do not agree on the potential impact of this missense change (SIFT: "Deleterious"; PolyPhen-2: "Benign"; Align-GVGD: "Class C0"). In summary, the available evidence is currently insufficient to determine the role of this variant in disease. Therefore, it has been classified as a Variant of Uncertain Significance.